The following is an entry in ClinVar:

ClinVar aggregate classification (germline): Uncertain significance. Review status: criteria provided, single submitter (1 of 4 stars). 2 submissions from 2 submitters: Uncertain significance (1). 1 of the submissions does not count toward it. Last evaluated 2024-07-08.

Conditions:
Usher syndrome type 1C. Also called: USHER SYNDROME, TYPE I, ACADIAN VARIETY. Identifiers: Orphanet 231169, Orphanet 886, MedGen C1848604, MONDO:0010171, OMIM 276904.
Autosomal recessive nonsyndromic hearing loss 18A. Also called: DEAFNESS, AUTOSOMAL RECESSIVE 18; Deafness, autosomal recessive 18A. Identifiers: Orphanet 90636, MedGen C1865870, MONDO:0011192, OMIM 602092.

Allele frequency attached by ClinVar (database versions not stated): gnomAD 0.00001; gnomAD exomes 0.00001 and 0.00002; ExAC 0.00002; TOPMed 0.00002; ESP Exome Variant Server 0.00008.
gnomAD v4.1: 17 of 1,613,956 alleles (0.0011%); highest among the groups gnomAD compares: African/African-American, 0.0067%; no homozygotes.

Submissions (2):

GeneDx
Classification: Uncertain significance. Last evaluated: 2024-07-08. Review status: criteria provided, single submitter. Criteria: GeneDx Variant Classification Process June 2021. Collection method: clinical testing. Allele origin: germline. Affected: yes.
Comment: Identified as heterozygous in two siblings with nonsyndromic hearing loss in published literature, however, a second USH1C variant was not identified (PMID: 24416283); Not observed at significant frequency in large population cohorts (gnomAD); In silico analysis supports that this missense variant has a deleterious effect on protein structure/function; This variant is associated with the following publications: (PMID: 27957503, 26186295, 35186384, 25558175, 33853521, 24416283)

Counsyl
Classification: Uncertain significance for Usher syndrome type 1C; Autosomal recessive nonsyndromic hearing loss 18A. Last evaluated: 2017-12-29. Review status: no assertion criteria provided. Collection method: clinical testing. Allele origin: unknown. Not counted in ClinVar's aggregate classification.

Literature cited by the submitters: PubMed 24416283 (cited by Counsyl).

NM_153676.4(USH1C):c.187C>T (p.Arg63Trp)

Gene: USH1C (USH1 protein network component harmonin; minus strand). Cytogenetic location: 11p15.1.
Variant type: single nucleotide variant.
Coding change: c.187C>T on transcript NM_153676.4 (MANE Select); coding-DNA position 187, C replaced by T.
Protein change: p.Arg63Trp; replaces arginine 63 with tryptophan.
Molecular consequence: missense variant. On other transcripts: non-coding transcript variant (1).
Genome position (GRCh38, 1-based): chr11:17,531,460, G>A on the plus strand (C>T on the coding strand, the complement: USH1C is on the minus strand). VCF-style: chr11-17531460-G-A. GRCh37 (hg19) VCF-style: chr11-17553007-G-A.
Other names: c.187C>T, p.Arg63Trp (NM_005709.4, NM_001297764.2); c.187C>T (NM_005709.3); short protein forms R63W.
Identifiers: ClinVar variation 550018 (VCV000550018.3), dbSNP rs375741564, ClinGen allele CA5905144.